The following is an entry in ClinVar:

NM_006514.4(SCN10A):c.2351T>C (p.Val784Ala)

Gene: SCN10A (sodium voltage-gated channel alpha subunit 10; minus strand). Cytogenetic location: 3p22.2.
Variant type: single nucleotide variant.
Coding change: c.2351T>C on transcript NM_006514.4 (MANE Select); coding-DNA position 2351, T replaced by C.
Protein change: p.Val784Ala; replaces valine 784 with alanine.
Molecular consequence: missense variant.
Genome position (GRCh38, 1-based): chr3:38,728,831, A>G on the plus strand (T>C on the coding strand, the complement: SCN10A is on the minus strand). VCF-style: chr3-38728831-A-G. GRCh37 (hg19) VCF-style: chr3-38770322-A-G.
Other names: c.2351T>C, p.Val784Ala (NM_001293306.2); c.2057T>C, p.Val686Ala (NM_001293307.2); short protein forms V686A, V784A.
Identifiers: ClinVar variation 4864116 (VCV004864116.1).
Genomic context (GRCh38, chr3:38,728,831, plus strand): 5'-ACCAGAGCAAAGACAAAGACAATGATGGCCAGGATGATGGTGAGGTTCCCCAGTGCCCCC[A>G]CTGAGTTTCCGATGATCTTGATGAGTGTGTTTAAGGTGGGCCAGGATTTGGCCAGCTTGA-3'
Protein context (NP_006505.4, residues 774-794): NTLIKIIGNS[Val784Ala]GALGNLTIIL

ClinVar aggregate classification (germline): Uncertain significance (1 of 4 stars; one submission).

Conditions:
Cardiovascular phenotype. Identifiers: MedGen CN230736.

Submission:

Ambry Genetics
Classification: Uncertain significance for Cardiovascular phenotype. Last evaluated: 2026-06-06. Review status: criteria provided, single submitter. Criteria: Ambry Variant Classification Scheme 2023. Collection method: clinical testing. Allele origin: germline.
Comment: The p.V784A variant (also known as c.2351T>C), located in coding exon 15 of the SCN10A gene, results from a T to C substitution at nucleotide position 2351. The valine at codon 784 is replaced by alanine, an amino acid with similar properties. This amino acid position is conserved. In addition, this alteration is predicted to be deleterious by in silico analysis. Based on the available evidence, the clinical significance of this variant remains unclear.